The following is an entry in ClinVar:

NM_004035.7(ACOX1):c.1108-8C>T

Gene: ACOX1 (acyl-CoA oxidase 1; minus strand). Cytogenetic location: 17q25.1.
Variant type: single nucleotide variant.
Coding change: c.1108-8C>T on transcript NM_004035.7 (MANE Select); 8 bases into the intron before coding-DNA position 1108, C replaced by T.
Molecular consequence: intron variant.
Genome position (GRCh38, 1-based): chr17:75,950,972, G>A on the plus strand (C>T on the coding strand, the complement: ACOX1 is on the minus strand). VCF-style: chr17-75950972-G-A. GRCh37 (hg19) VCF-style: chr17-73947053-G-A.
Other names: c.1108-8C>T (NM_007292.6, NM_004035.6); c.994-8C>T (NM_001185039.2).
Identifiers: ClinVar variation 1561142 (VCV001561142.10), dbSNP rs753514568, ClinGen allele CA294106483.

ClinVar aggregate classification (germline): Likely benign. Review status: criteria provided, multiple submitters, no conflicts (2 of 4 stars). 2 submissions from 2 submitters: Likely benign (2). Last evaluated 2026-09-18.

Conditions:
Acyl-CoA oxidase deficiency. Also called: Peroxisomal acyl-CoA oxidase deficiency; STRAIGHT-CHAIN ACYL-CoA OXIDASE DEFICIENCY; Pseudoneonatal adrenoleukodystrophy. Identifiers: Orphanet 2971, MedGen C1849678, MONDO:0009919, OMIM 264470. Disease mechanism: loss of function.
ACOX1-related disorder. Also called: ACOX1-related disorders; ACOX1-related condition.

Allele frequency attached by ClinVar (database versions not stated): TOPMed 0.00002; gnomAD 0.00003.
gnomAD v4.1: 9 of 1,613,306 alleles (0.00056%); highest among the groups gnomAD compares: African/African-American, 0.008%; no homozygotes.

Submissions (2):

PreventionGenetics, part of Exact Sciences
Classification: Likely benign for ACOX1-related condition. Last evaluated: 2026-09-18. Review status: criteria provided, single submitter. Criteria: ACMG Guidelines, 2015. Collection method: clinical testing. Allele origin: germline.
Comment: This variant is classified as likely benign based on ACMG/AMP sequence variant interpretation guidelines (Richards et al. 2015 PMID: 25741868, with internal and published modifications).

Labcorp Genetics (formerly Invitae), Labcorp
Classification: Likely benign for Acyl-CoA oxidase deficiency. Last evaluated: 2023-11-25. Review status: criteria provided, single submitter. Criteria: Invitae Variant Classification Sherloc (09022015). Collection method: clinical testing. Allele origin: germline.